The following is an entry in ClinVar:

ClinVar aggregate classification (germline): Uncertain significance (1 of 4 stars; one submission).

Conditions:
Pheochromocytoma/paraganglioma syndrome 4. Also called: SDHB-Related Hereditary Paraganglioma-Pheochromocytoma Syndrome (Paragangliomas 4); SDHB-Related Hereditary Paraganglioma-Pheochromocytoma Syndrome; CAROTID BODY TUMORS AND MULTIPLE EXTRAADRENAL PHEOCHROMOCYTOMAS; PARAGANGLIOMA, FAMILIAL MALIGNANT; PARAGANGLIOMAS, HEREDITARY EXTRAADRENAL; PHEOCHROMOCYTOMA, FAMILIAL EXTRAADRENAL. Identifiers: Orphanet 29072, MedGen C1861848, MONDO:0007273, OMIM 115310.
Pheochromocytoma. Also called: MAX-Related Hereditary Paraganglioma-Pheochromocytoma Syndrome. Identifiers: Orphanet 29072, MedGen C0031511, MONDO:0008233, OMIM 171300, HP:0002666.
Gastrointestinal stromal tumor. Also called: Gastrointestinal stromal tumor, somatic; Gastrointestinal stroma tumor. Identifiers: Orphanet 44890, MedGen C0238198, MeSH D046152, MONDO:0011719, OMIM 606764, HP:0100723.

Submission:

Labcorp Genetics (formerly Invitae), Labcorp
Classification: Uncertain significance for Gastrointestinal stromal tumor; Pheochromocytoma/paraganglioma syndrome 4; Pheochromocytoma. Last evaluated: 2022-07-19. Review status: criteria provided, single submitter. Criteria: Invitae Variant Classification Sherloc (09022015). Collection method: clinical testing. Allele origin: germline.
Comment: In summary, the available evidence is currently insufficient to determine the role of this variant in disease. Therefore, it has been classified as a Variant of Uncertain Significance. Advanced modeling of protein sequence and biophysical properties (such as structural, functional, and spatial information, amino acid conservation, physicochemical variation, residue mobility, and thermodynamic stability) performed at Invitae indicates that this missense variant is not expected to disrupt SDHB protein function. ClinVar contains an entry for this variant (Variation ID: 663620). This variant has not been reported in the literature in individuals affected with SDHB-related conditions. This variant is not present in population databases (gnomAD no frequency). This sequence change replaces aspartic acid, which is acidic and polar, with asparagine, which is neutral and polar, at codon 225 of the SDHB protein (p.Asp225Asn).

NM_003000.3(SDHB):c.673G>A (p.Asp225Asn)

Gene: SDHB (succinate dehydrogenase complex iron sulfur subunit B; minus strand). Cytogenetic location: 1p36.13.
Variant type: single nucleotide variant.
Coding change: c.673G>A on transcript NM_003000.3 (MANE Select); coding-DNA position 673, G replaced by A.
Protein change: p.Asp225Asn; replaces aspartic acid 225 with asparagine.
Molecular consequence: missense variant.
Genome position (GRCh38, 1-based): chr1:17,022,700, C>T on the plus strand (G>A on the coding strand, the complement: SDHB is on the minus strand). VCF-style: chr1-17022700-C-T. GRCh37 (hg19) VCF-style: chr1-17349195-C-T.
Other names: short protein forms D225N.
Identifiers: ClinVar variation 663620 (VCV000663620.6), dbSNP rs1570944919, ClinGen allele CA338270406.